The following is an entry in ClinVar:

NM_001371623.1(TCOF1):c.2388dup (p.Ala797fs)

Gene: TCOF1 (treacle ribosome biogenesis factor 1; plus strand). Cytogenetic location: 5q32.
Variant type: Duplication.
Coding change: c.2388dup on transcript NM_001371623.1 (MANE Select); coding-DNA position 2388, one base duplicated (C; older notation c.2388dupC).
Protein change: p.Ala797fs; shifts the reading frame from alanine 797.
Molecular consequence: frameshift variant.
Genome position (GRCh38, 1-based): chr5:150,378,952, C duplicated; the last of 2 consecutive C bases (chr5:150,378,951-150,378,952); duplicating either gives the same sequence. VCF-style (leftmost placement, unchanged base first): chr5-150378950-G-GC. GRCh37 (hg19) VCF-style: chr5-149758513-G-GC.
Other names: c.2157dup, p.Ala720fs (NM_000356.4, NM_001135245.2); c.2388dup, p.Ala797fs (NM_001008657.3, NM_001135243.2, NM_001135244.2 and 1 more transcripts); short protein forms A720fs, A797fs.
Identifiers: ClinVar variation 1705735 (VCV001705735.1), dbSNP rs2533648351, ClinGen allele CA2580073876.
Genomic context (GRCh38, chr5:150,378,950, plus strand): 5'-CTTTTCTCCACTCAGGTGAAAACCTCAGTAAAGAAAACCCAGGCCAAAGCCAACCCAGCT[G>GC]CCGCCAGAGCACCTTCAGCAAAAGGGACAATTTCAGCCCCTGGAAAAGTTGTCACTGCAG-3'

ClinVar aggregate classification (germline): Likely pathogenic (1 of 4 stars; one submission).

Conditions:
Treacher Collins syndrome 1 (TCS1). Also called: TCOF1-Related Treacher Collins Syndrome. Identifiers: Orphanet 861, MedGen CN315775, MONDO:0007944, OMIM 154500.

Submission:

3billion
Classification: Likely pathogenic for Treacher Collins syndrome 1. Last evaluated: 2022-09-01. Review status: criteria provided, single submitter. Criteria: ACMG Guidelines, 2015. Collection method: clinical testing. Allele origin: germline. Affected: yes. Observed: 1 heterozygote.
Comment: The variant is not observed in the gnomAD v2.1.1 dataset. It is predicted to result in a loss or disruption of normal protein function through nonsense-mediated decay (NMD) or protein truncation. Multiple pathogenic variants are reported downstream of the variant. Therefore, this variant is classified as Likely pathogenic according to the recommendation of ACMG/AMP guideline.